The following is an entry in ClinVar:

NM_023110.3(FGFR1):c.2292+3A>G

Gene: FGFR1 (fibroblast growth factor receptor 1; minus strand). Cytogenetic location: 8p11.23.
Variant type: single nucleotide variant.
Coding change: c.2292+3A>G on transcript NM_023110.3 (MANE Select); 3 bases into the intron after coding-DNA position 2292, A replaced by G.
Molecular consequence: intron variant.
Genome position (GRCh38, 1-based): chr8:38,413,915, T>C on the plus strand (A>G on the coding strand, the complement: FGFR1 is on the minus strand). VCF-style: chr8-38413915-T-C. GRCh37 (hg19) VCF-style: chr8-38271433-T-C.
Other names: c.2013+3A>G (NM_001354368.2); c.2019+3A>G (NM_001354370.2, NM_023106.3); c.2025+3A>G (NM_023105.3, NM_001174066.2); c.2286+3A>G (NM_001354367.2, NM_015850.4, NM_001174063.2 and 1 more transcripts); c.2262+3A>G (NM_001174064.2); c.2280+3A>G (NM_001354369.2); c.2385+3A>G (NM_001174067.2).
Identifiers: ClinVar variation 536193 (VCV000536193.33), dbSNP rs747737281, ClinGen allele CA4718129.
Genomic context (GRCh38, chr8:38,413,915, plus strand): 5'-CAGGGAGGTGCGTGCACGCAGTGGGGACGGCCTGAGCTCTGGCTCTGGCACGGGCAGCCT[T>C]ACCTGGTTGGAGGTCAAGGCCACGATGCGGTCCAGGTCTTCCACCAGCTGCTTGAAGGTG-3'

ClinVar aggregate classification (germline): Conflicting classifications of pathogenicity. Review status: criteria provided, conflicting classifications (1 of 4 stars). 3 submissions from 3 submitters: Uncertain significance (1); Likely benign (2). Last evaluated 2026-01-06.

Conditions:
Pfeiffer syndrome (ACS5). Also called: ACS V. Identifiers: Orphanet 710, MedGen C0220658, MONDO:0007043, OMIM 101600.
Hypogonadotropic hypogonadism 2 with or without anosmia (HH2). Also called: HYPOGONADOTROPIC HYPOGONADISM 2 WITHOUT ANOSMIA; HYPOGONADOTROPIC HYPOGONADISM 2 WITH OR WITHOUT ANOSMIA, SUSCEPTIBILITY TO; HYPOGONADOTROPIC HYPOGONADISM 2 WITHOUT ANOSMIA, SUSCEPTIBILITY TO; FGFR1-Related GnRH Deficiency (Kallmann Syndrome 2). Identifiers: Orphanet 478, MedGen C1563720, MONDO:0007844, OMIM 147950. Disease mechanism: loss of function.

Allele frequency attached by ClinVar (database versions not stated): gnomAD 0.00005 and 0.00006; TOPMed 0.00005; ExAC 0.00007; gnomAD exomes 0.00008.
gnomAD v4.1: 154 of 1,613,824 alleles (0.0095%); highest among the groups gnomAD compares: Non-Finnish European, 0.013%; no homozygotes.

Submissions (3):

Labcorp Genetics (formerly Invitae), Labcorp
Classification: Uncertain significance for Pfeiffer syndrome; Hypogonadotropic hypogonadism 2 with or without anosmia. Last evaluated: 2026-01-06. Review status: criteria provided, single submitter. Criteria: Invitae Variant Classification Sherloc (09022015). Collection method: clinical testing. Allele origin: germline.
Comment: This sequence change falls in intron 17 of the FGFR1 gene. It does not directly change the encoded amino acid sequence of the FGFR1 protein. It affects a nucleotide within the consensus splice site. This variant is present in population databases (rs747737281, gnomAD 0.01%). This variant has been observed in individual(s) with Kallman syndrome (PMID: 23533228). This variant is also known as 2289+6A>G. ClinVar contains an entry for this variant (Variation ID: 536193). Variants that disrupt the consensus splice site are a relatively common cause of aberrant splicing (PMID: 17576681, 9536098). Algorithms developed to predict the effect of sequence changes on RNA splicing suggest that this variant is not likely to affect RNA splicing. In summary, the available evidence is currently insufficient to determine the role of this variant in disease. Therefore, it has been classified as a Variant of Uncertain Significance.

CeGaT Center for Human Genetics Tuebingen
Classification: Likely benign. Last evaluated: 2023-01-01. Review status: criteria provided, single submitter. Criteria: CeGaT Center For Human Genetics Tuebingen Variant Classification Criteria Version 2. Collection method: clinical testing. Allele origin: germline. Affected: yes. Observed: 1 variant allele.
Comment: FGFR1: BP4, BS2

GeneDx
Classification: Likely benign. Last evaluated: 2019-01-24. Review status: criteria provided, single submitter. Criteria: GeneDx Variant Classification Process June 2021. Collection method: clinical testing. Allele origin: germline. Affected: yes.
Comment: This variant is associated with the following publications: (PMID: 23533228)

Literature cited by the submitters: PubMed 23533228 (cited by Labcorp Genetics (formerly Invitae), Labcorp); PubMed 17576681 (cited by Labcorp Genetics (formerly Invitae), Labcorp); PubMed 9536098 (cited by Labcorp Genetics (formerly Invitae), Labcorp).